The following is an entry in ClinVar:

NM_182961.4(SYNE1):c.22320CTC[1] (p.Ser7442del)

Gene: SYNE1 (spectrin repeat containing nuclear envelope protein 1; minus strand). Cytogenetic location: 6q25.2.
Variant type: Microsatellite.
Coding change: c.22320CTC[1] on transcript NM_182961.4 (MANE Select); one copy of the 3-base unit CTC starting at c.22320; the reference has two copies in a row; one copy, 3 bases deleted.
Protein change: p.Ser7442del; deletes serine 7442.
Molecular consequence: inframe deletion.
Genome position (GRCh38, 1-based): chr6:152,214,927-152,214,929, GAG deleted on the plus strand (CTC on the coding strand, the reverse complement: SYNE1 is on the minus strand); deleting any 3 consecutive bases within chr6:152,214,927-152,214,932 gives the same sequence; the position shown is the placement nearest the transcript's 3' end. VCF-style (leftmost placement, unchanged base first): chr6-152214926-AGAG-A. GRCh37 (hg19) VCF-style: chr6-152536061-AGAG-A.
Other names: c.22107CTC[1], p.Ser7371del (NM_033071.5); short protein forms S7442del, S7371del.
Identifiers: ClinVar variation 1349788 (VCV001349788.5), dbSNP rs756712103, ClinGen allele CA4053909.
Genomic context (GRCh38, chr6:152,214,926, plus strand): 5'-AGACAACTGGAGCAACCAAGACATCTCTTGTTTACTCTACCTGAATCTTTCTGTAGTCTG[AGAG>A]GAGATCAGAGACCAATGGCGGTTCAGATTCTGCATTCTTTTGATTTCCTTATCATTCAAG-3'

ClinVar aggregate classification (germline): Uncertain significance (1 of 4 stars; one submission).

Conditions:
Autosomal recessive ataxia, Beauce type. Also called: SYNE1-Related Autosomal Recessive Cerebellar Ataxia; SYNE1 Deficiency; Spinocerebellar ataxia, autosomal recessive 8; ATAXIA, RECESSIVE, OF BEAUCE. Identifiers: Orphanet 88644, MedGen C1853116, MONDO:0012549, OMIM 610743.
Emery-Dreifuss muscular dystrophy 4, autosomal dominant (EDMD4). Also called: EMERY-DREIFUSS MUSCULAR DYSTROPHY 4 WITH VARIABLE FEATURES. Identifiers: Orphanet 261, MedGen C2751807, MONDO:0013071, OMIM 612998.

Submission:

Labcorp Genetics (formerly Invitae), Labcorp
Classification: Uncertain significance for Emery-Dreifuss muscular dystrophy 4, autosomal dominant; Autosomal recessive ataxia, Beauce type. Last evaluated: 2022-06-28. Review status: criteria provided, single submitter. Criteria: Invitae Variant Classification Sherloc (09022015). Collection method: clinical testing. Allele origin: germline.
Comment: This variant, c.22110_22112del, results in the deletion of 1 amino acid(s) of the SYNE1 protein (p.Ser7371del), but otherwise preserves the integrity of the reading frame. This variant is present in population databases (rs756712103, gnomAD 0.01%). This variant has not been reported in the literature in individuals affected with SYNE1-related conditions. Experimental studies and prediction algorithms are not available or were not evaluated, and the functional significance of this variant is currently unknown. In summary, the available evidence is currently insufficient to determine the role of this variant in disease. Therefore, it has been classified as a Variant of Uncertain Significance.